The following is an entry in ClinVar:

ClinVar aggregate classification (germline): Uncertain significance (1 of 4 stars; one submission).

Allele frequency attached by ClinVar (database versions not stated): gnomAD exomes 0.00001; TOPMed 0.00001.
gnomAD v4.1: 7 of 1,613,088 alleles (0.00043%); highest among the groups gnomAD compares: East Asian, 0.0022%; no homozygotes.

Submission:

Labcorp Genetics (formerly Invitae), Labcorp
Classification: Uncertain significance. Last evaluated: 2022-10-20. Review status: criteria provided, single submitter. Criteria: Invitae Variant Classification Sherloc (09022015). Collection method: clinical testing. Allele origin: germline.
Comment: In summary, the available evidence is currently insufficient to determine the role of this variant in disease. Therefore, it has been classified as a Variant of Uncertain Significance. Advanced modeling of protein sequence and biophysical properties (such as structural, functional, and spatial information, amino acid conservation, physicochemical variation, residue mobility, and thermodynamic stability) performed at Invitae indicates that this missense variant is not expected to disrupt STXBP3 protein function. This variant has not been reported in the literature in individuals affected with STXBP3-related conditions. This variant is present in population databases (no rsID available, gnomAD 0.006%). This sequence change replaces lysine, which is basic and polar, with arginine, which is basic and polar, at codon 570 of the STXBP3 protein (p.Lys570Arg).

NM_007269.4(STXBP3):c.1709A>G (p.Lys570Arg)

Gene: STXBP3 (syntaxin binding protein 3; plus strand). Cytogenetic location: 1p13.3.
Variant type: single nucleotide variant.
Coding change: c.1709A>G on transcript NM_007269.4 (MANE Select); coding-DNA position 1709, A replaced by G.
Protein change: p.Lys570Arg; replaces lysine 570 with arginine.
Molecular consequence: missense variant.
Genome position (GRCh38, 1-based): chr1:108,808,807, A>G. VCF-style: chr1-108808807-A-G. GRCh37 (hg19) VCF-style: chr1-109351429-A-G.
Other names: short protein forms K570R.
Identifiers: ClinVar variation 2726977 (VCV002726977.3), dbSNP rs917624374, ClinGen allele CA28576290.